The following is an entry in ClinVar:

ClinVar aggregate classification (germline): Uncertain significance (1 of 4 stars; one submission).

Conditions:
ALG9-related disorder. Also called: ALG9-related condition.

gnomAD v4.1: 27 of 1,613,944 alleles (0.0017%); highest among the groups gnomAD compares: Non-Finnish European, 0.0022%; no homozygotes.

Submission:

PreventionGenetics, part of Exact Sciences
Classification: Uncertain significance for ALG9-related condition. Last evaluated: 2025-10-24. Review status: criteria provided, single submitter. Criteria: ACMG Guidelines, 2015. Collection method: clinical testing. Allele origin: germline.
Comment: The ALG9 c.1018+1G>A variant is predicted to disrupt the GT donor site and interfere with normal splicing. This variant was reported in individuals with kidney and/or liver cysts (Besse et al. 2019. PubMed ID: 31395617; Jawaid et al. 2025. PubMed ID: 39899384). Canonical splice variants of this gene are usually expected to be loss-of-function and pathogenic. However, this canonical splice variant could result in an in-frame deletion of the exon nearby and no missense variants (with a loss-of-function effect) within this exon have been reported to be pathogenic yet in the literature or the ClinVar database. This variant has not been reported in a large population database (gnomAD), indicating this variant is rare. Although we suspect that this variant may be pathogenic, at this time, the clinical significance of this variant is uncertain due to the absence of conclusive functional and genetic evidence.

NM_024740.2(ALG9):c.1018+1G>A

Gene: ALG9 (ALG9 alpha-1,2-mannosyltransferase; minus strand). Cytogenetic location: 11q23.1.
Variant type: single nucleotide variant.
Coding change: c.1018+1G>A on transcript NM_024740.2 (MANE Select); the canonical splice donor site of the intron after coding-DNA position 1018, G replaced by A.
Molecular consequence: splice donor variant. On other transcripts: intron variant (3).
Genome position (GRCh38, 1-based): chr11:111,844,600, C>T on the plus strand (G>A on the coding strand, the complement: ALG9 is on the minus strand). VCF-style: chr11-111844600-C-T. GRCh37 (hg19) VCF-style: chr11-111715323-C-T.
Other names: c.505+1G>A (NM_001352409.1, NM_001352410.1, NM_001352413.1 and 10 more transcripts); c.896-3791G>A (NM_001352418.1, NM_001441206.1); c.1018+1G>A (NM_001352417.1, NM_001077690.1, NM_001441205.1 and 2 more transcripts); c.430+1G>A (NM_001352422.2); c.383-3791G>A (NM_001352423.2).
Identifiers: ClinVar variation 4999049 (VCV004999049.1).
Genomic context (GRCh38, chr11:111,844,600, plus strand): 5'-TGGTATACACCATTACTTGCTCTTTCCTCCCAAAACACCTACCATCTCTTATGCCACTCA[C>T]CATGAAATCTCTGCAGCAGGTATTCCATAAGAGAAGTCAGTGGTAGGACTAGGAGAGCCA-3'